The following is an entry in ClinVar:

NM_000368.5(TSC1):c.1852C>T (p.His618Tyr)

Gene: TSC1 (TSC complex subunit 1; minus strand). Cytogenetic location: 9q34.13.
Variant type: single nucleotide variant.
Coding change: c.1852C>T on transcript NM_000368.5 (MANE Select); coding-DNA position 1852, C replaced by T.
Protein change: p.His618Tyr; replaces histidine 618 with tyrosine.
Molecular consequence: missense variant.
Genome position (GRCh38, 1-based): chr9:132,905,726, G>A on the plus strand (C>T on the coding strand, the complement: TSC1 is on the minus strand). VCF-style: chr9-132905726-G-A. GRCh37 (hg19) VCF-style: chr9-135781113-G-A.
Other names: c.1849C>T, p.His617Tyr (NM_001162426.2); c.1699C>T, p.His567Tyr (NM_001162427.2); c.1489C>T, p.His497Tyr (NM_001362177.2); c.1852C>T (NM_000368.4); short protein forms H618Y, H617Y, H497Y, H567Y.
Identifiers: ClinVar variation 1359548 (VCV001359548.9), dbSNP rs1588308804, ClinGen allele CA375363137.

ClinVar aggregate classification (germline): Uncertain significance. Review status: criteria provided, multiple submitters, no conflicts (2 of 4 stars). 2 submissions from 2 submitters: Uncertain significance (2). Last evaluated 2025-10-05.

Conditions:
Tuberous sclerosis 1 (TSC1). Identifiers: Orphanet 805, MedGen C1854465, MONDO:0008612, OMIM 191100.
Hereditary cancer-predisposing syndrome. Also called: Hereditary Cancer Syndrome; Hereditary neoplastic syndrome; Tumor predisposition; Neoplastic Syndromes, Hereditary. Identifiers: Orphanet 140162, MedGen C0027672, MeSH D009386, MONDO:0015356.

Submissions (2):

Ambry Genetics
Classification: Uncertain significance for Hereditary cancer-predisposing syndrome. Last evaluated: 2025-10-05. Review status: criteria provided, single submitter. Criteria: Ambry Variant Classification Scheme 2023. Collection method: clinical testing. Allele origin: germline.
Comment: The p.H618Y variant (also known as c.1852C>T), located in coding exon 13 of the TSC1 gene, results from a C to T substitution at nucleotide position 1852. The histidine at codon 618 is replaced by tyrosine, an amino acid with similar properties. This amino acid position is conserved. In addition, this alteration is predicted to be tolerated by in silico analysis. Based on the available evidence, the clinical significance of this variant remains unclear.

Labcorp Genetics (formerly Invitae), Labcorp
Classification: Uncertain significance for Tuberous sclerosis 1. Last evaluated: 2021-07-02. Review status: criteria provided, single submitter. Criteria: Invitae Variant Classification Sherloc (09022015). Collection method: clinical testing. Allele origin: germline.
Comment: Algorithms developed to predict the effect of missense changes on protein structure and function (SIFT, PolyPhen-2, Align-GVGD) all suggest that this variant is likely to be tolerated. In summary, the available evidence is currently insufficient to determine the role of this variant in disease. Therefore, it has been classified as a Variant of Uncertain Significance. This variant has not been reported in the literature in individuals affected with TSC1-related conditions. This variant is not present in population databases (ExAC no frequency). This sequence change replaces histidine with tyrosine at codon 618 of the TSC1 protein (p.His618Tyr). The histidine residue is weakly conserved and there is a moderate physicochemical difference between histidine and tyrosine.